The following is an entry in ClinVar:

ClinVar aggregate classification (germline): Uncertain significance (1 of 4 stars; one submission).

Submission:

Women's Health and Genetics/Laboratory Corporation of America, LabCorp
Classification: Uncertain significance. Last evaluated: 2024-04-18. Review status: criteria provided, single submitter. Criteria: LabCorp Variant Classification Summary - May 2015. Collection method: clinical testing. Allele origin: germline.
Comment: Variant summary: MPV17 c.264G>T (p.Lys88Asn) results in a non-conservative amino acid change in the encoded protein sequence. Five of five in-silico tools predict a damaging effect of the variant on protein function. The variant was absent in 251480 control chromosomes. The available data on variant occurrences in the general population are insufficient to allow any conclusion about variant significance. To our knowledge, no occurrence of c.264G>T in individuals affected with Mitochondrial DNA Depletion Syndrome - MPV17 Related and no experimental evidence demonstrating its impact on protein function have been reported. No submitters have cited clinical-significance assessments for this variant to ClinVar. Based on the evidence outlined above, the variant was classified as uncertain significance.

NM_002437.5(MPV17):c.264G>T (p.Lys88Asn)

Gene: MPV17 (mitochondrial inner membrane protein MPV17; minus strand). Cytogenetic location: 2p23.3.
Variant type: single nucleotide variant.
Coding change: c.264G>T on transcript NM_002437.5 (MANE Select); coding-DNA position 264, G replaced by T.
Protein change: p.Lys88Asn; replaces lysine 88 with asparagine.
Molecular consequence: missense variant.
Genome position (GRCh38, 1-based): chr2:27,312,695, C>A on the plus strand (G>T on the coding strand, the complement: MPV17 is on the minus strand). VCF-style: chr2-27312695-C-A. GRCh37 (hg19) VCF-style: chr2-27535562-C-A.
Other names: short protein forms K88N.
Identifiers: ClinVar variation 3251866 (VCV003251866.1), dbSNP rs1679498066.